The following is an entry in ClinVar:

NM_001940.4(ATN1):c.748G>A (p.Gly250Ser)

Gene: ATN1 (atrophin 1; plus strand). Cytogenetic location: 12p13.31.
Variant type: single nucleotide variant.
Coding change: c.748G>A on transcript NM_001940.4 (MANE Select); coding-DNA position 748, G replaced by A.
Protein change: p.Gly250Ser; replaces glycine 250 with serine.
Molecular consequence: missense variant.
Genome position (GRCh38, 1-based): chr12:6,936,015, G>A. VCF-style: chr12-6936015-G-A. GRCh37 (hg19) VCF-style: chr12-7045178-G-A.
Other names: p.Gly250Ser; c.748G>A (NM_001007026.1); c.748G>A, p.Gly250Ser (NM_001007026.2); short protein forms G250S.
Identifiers: ClinVar variation 1701183 (VCV001701183.35), dbSNP rs148694613, ClinGen allele CA6420449.
Genomic context (GRCh38, chr12:6,936,015, plus strand): 5'-GGACCCCCAATGGGTCCCAAGGGGGGAGGGGCTGCCTCATCAGTGGGGGGCCCTAATGGG[G>A]GTAAGCAGCACCCCCCACCCACTACTCCCATTTCAGTATCAAGCTCTGGGGCTAGTGGTG-3'
Protein context (NP_001931.2, residues 240-260): AASSVGGPNG[Gly250Ser]KQHPPPTTPI

ClinVar aggregate classification (germline): Benign. Review status: criteria provided, multiple submitters, no conflicts (2 of 4 stars). 4 submissions from 4 submitters: Benign (3). 1 of the submissions does not count toward it. Last evaluated 2026-09-01.

Conditions:
ATN1-related disorder. Also called: ATN1-related disorders; ATN1-related condition.

Allele frequency attached by ClinVar (database versions not stated): 1000 Genomes Project 30x 0.00281; 1000 Genomes Project 0.00300; gnomAD exomes 0.00599 and 0.00955; gnomAD 0.00649 and 0.00692; ExAC 0.00675; TOPMed 0.00721; ESP Exome Variant Server 0.00769.

Submissions (4):

CeGaT Center for Human Genetics Tuebingen
Classification: Benign. Last evaluated: 2026-09-01. Review status: criteria provided, single submitter. Criteria: CeGaT Center For Human Genetics Tuebingen Variant Classification Criteria Version 2. Collection method: clinical testing. Allele origin: germline. Affected: yes. Observed: 34 variant alleles.
Comment: ATN1: BS1, BS2

ARUP Laboratories, Molecular Genetics and Genomics, ARUP Laboratories
Classification: Benign. Last evaluated: 2025-01-23. Review status: criteria provided, single submitter. Criteria: ARUP Molecular Germline Variant Investigation Process 2024. Collection method: clinical testing. Allele origin: germline.

Mayo Clinic Laboratories, Mayo Clinic
Classification: Benign. Last evaluated: 2023-02-08. Review status: criteria provided, single submitter. Criteria: ACMG Guidelines, 2015. Collection method: clinical testing. Allele origin: germline. Observed: 4 variant alleles.
Comment: BS1, BS2, BP4

PreventionGenetics, part of Exact Sciences
Classification: Benign for ATN1-related condition. Last evaluated: 2019-09-19. Review status: no assertion criteria provided. Collection method: clinical testing. Allele origin: germline. Not counted in ClinVar's aggregate classification.
Comment: This variant is classified as benign based on ACMG/AMP sequence variant interpretation guidelines (Richards et al. 2015 PMID: 25741868, with internal and published modifications).